The following is an entry in ClinVar:

NM_182972.3(IRF2BP2):c.347G>A (p.Arg116His)

Genes: IRF2BP2 (interferon regulatory factor 2 binding protein 2; minus strand), LOC129932812 (ATAC-STARR-seq lymphoblastoid silent region 1977; plus strand). Cytogenetic location: 1q42.3.
Variant type: single nucleotide variant.
Coding change: c.347G>A on transcript NM_182972.3 (MANE Select); coding-DNA position 347, G replaced by A.
Protein change: p.Arg116His; replaces arginine 116 with histidine.
Molecular consequence: missense variant.
Genome position (GRCh38, 1-based): chr1:234,609,148, C>T on the plus strand (G>A on the coding strand, the complement: IRF2BP2 is on the minus strand). VCF-style: chr1-234609148-C-T. GRCh37 (hg19) VCF-style: chr1-234744894-C-T.
Other names: c.347G>A, p.Arg116His (NM_001077397.1); short protein forms R116H.
Identifiers: ClinVar variation 1358081 (VCV001358081.8), dbSNP rs2102770095, ClinGen allele CA345310998.

ClinVar aggregate classification (germline): Uncertain significance (1 of 4 stars; one submission).

Allele frequency attached by ClinVar (database versions not stated): gnomAD 0.00001.

Submission:

Labcorp Genetics (formerly Invitae), Labcorp
Classification: Uncertain significance. Last evaluated: 2022-02-08. Review status: criteria provided, single submitter. Criteria: Invitae Variant Classification Sherloc (09022015). Collection method: clinical testing. Allele origin: germline.
Comment: This sequence change replaces arginine, which is basic and polar, with histidine, which is basic and polar, at codon 116 of the IRF2BP2 protein (p.Arg116His). This variant is not present in population databases (gnomAD no frequency). This variant has not been reported in the literature in individuals affected with IRF2BP2-related conditions. Algorithms developed to predict the effect of missense changes on protein structure and function are either unavailable or do not agree on the potential impact of this missense change (SIFT: "Deleterious"; PolyPhen-2: "Possibly Damaging"; Align-GVGD: "Class C0"). In summary, the available evidence is currently insufficient to determine the role of this variant in disease. Therefore, it has been classified as a Variant of Uncertain Significance.